The following is an entry in ClinVar:

Conditions:
Long QT syndrome 5 (LQT5). Identifiers: Orphanet 101016, Orphanet 768, MedGen C1867904, MONDO:0013372, OMIM 613695.

Submission:

Roden Lab, Vanderbilt University Medical Center
No classification provided (evidence only). Condition: Long QT syndrome 5. Review status: no classification provided. Collection method: in vitro. Allele origin: not applicable. Functional consequence: Effect on ion channel function.
ClinVar note: "not provided" was previously submitted as the classification for the variant. However, the classification appeared to be based only on an observation of functional data so it was converted to no classification on 2025-07-30.

NM_000219.6(KCNE1):c.248A>C (p.Glu83Ala)

Gene: KCNE1 (potassium voltage-gated channel subfamily E regulatory subunit 1; minus strand). Cytogenetic location: 21q22.12.
Variant type: single nucleotide variant.
Coding change: c.248A>C on transcript NM_000219.6 (MANE Select); coding-DNA position 248, A replaced by C.
Protein change: p.Glu83Ala; replaces glutamic acid 83 with alanine.
Molecular consequence: missense variant.
Genome position (GRCh38, 1-based): chr21:34,449,387, T>G on the plus strand (A>C on the coding strand, the complement: KCNE1 is on the minus strand). VCF-style: chr21-34449387-T-G. GRCh37 (hg19) VCF-style: chr21-35821685-T-G.
Other names: c.248A>C, p.Glu83Ala (NM_001127668.4, NM_001127669.4, NM_001127670.4 and 4 more transcripts); short protein forms E83A.
Identifiers: ClinVar variation 3374431 (VCV003374431.2).